The following is an entry in ClinVar:

NM_001366722.1(GRIP1):c.1199-7C>G

Gene: GRIP1 (glutamate receptor interacting protein 1; minus strand). Cytogenetic location: 12q14.3.
Variant type: single nucleotide variant.
Coding change: c.1199-7C>G on transcript NM_001366722.1 (MANE Select); 7 bases into the intron before coding-DNA position 1199, C replaced by G.
Molecular consequence: intron variant.
Genome position (GRCh38, 1-based): chr12:66,455,571, G>C on the plus strand (C>G on the coding strand, the complement: GRIP1 is on the minus strand). VCF-style: chr12-66455571-G-C. GRCh37 (hg19) VCF-style: chr12-66849351-G-C.
Other names: c.1121-10C>G (NM_001366723.1); c.1121-7C>G (NM_001366724.1); c.1043-7C>G (NM_001178074.2, NM_021150.4).
Identifiers: ClinVar variation 497434 (VCV000497434.20), dbSNP rs200313638, ClinGen allele CA6674442.
Genomic context (GRCh38, chr12:66,455,571, plus strand): 5'-TCAGGCTGTATGCACTCATGGAGGTAGGAGAGAAGGATGAAGACACCAAAGCTGCTGCAA[G>C]AGAGTGAAGACGTTGCACAGAGCACTCTCAGGTGAGGTGTGAGCCCGCCACACTTGTCAA-3'

ClinVar aggregate classification (germline): Benign/Likely benign. Review status: criteria provided, multiple submitters, no conflicts (2 of 4 stars). 5 submissions from 5 submitters: Benign (2); Likely benign (3). Last evaluated 2026-02-02.

Conditions:
Fraser syndrome 3. Identifiers: MedGen C4540040, MONDO:0054739, OMIM 617667.

Allele frequency attached by ClinVar (database versions not stated): gnomAD 0.00029; TOPMed 0.00031; ESP Exome Variant Server 0.00048; 1000 Genomes Project 30x 0.00219; 1000 Genomes Project 0.00280.
gnomAD v4.1: 971 of 1,613,496 alleles (0.06%); highest among the groups gnomAD compares: South Asian, 0.43%; 5 homozygotes.

Submissions (6):

Labcorp Genetics (formerly Invitae), Labcorp
Classification: Benign. Last evaluated: 2026-02-02. Review status: criteria provided, single submitter. Criteria: Invitae Variant Classification Sherloc (09022015). Collection method: clinical testing. Allele origin: germline.

Fulgent Genetics
Classification: Benign for Fraser syndrome 3. Last evaluated: 2021-07-30. Review status: criteria provided, single submitter. Criteria: ACMG Guidelines, 2015. Collection method: clinical testing. Allele origin: unknown.

Illumina Laboratory Services, Illumina
Classification: Likely benign for Fraser syndrome 3. Last evaluated: 2018-01-12. Review status: criteria provided, single submitter. Criteria: ICSL Variant Classification Criteria 13 December 2019. Collection method: clinical testing. Allele origin: germline.
Comment: This variant was observed in the ICSL laboratory as part of a predisposition screen in an ostensibly healthy population. It had not been previously curated by ICSL or reported in the Human Gene Mutation Database (HGMD: prior to June 1st, 2018), and was therefore a candidate for classification through an automated scoring system. Utilizing variant allele frequency, disease prevalence and penetrance estimates, and inheritance mode, an automated score was calculated to assess if this variant is too frequent to cause the disease. Based on the score and internal cut-off values, a variant classified as likely benign is not then subjected to further curation. The score for this variant resulted in a classification of likely benign for this disease.

Eurofins Ntd Llc (ga)
Classification: Likely benign. Last evaluated: 2016-10-05. Review status: criteria provided, single submitter. Criteria: EGL Classification Definitions 2015. Collection method: clinical testing. Allele origin: germline. Observed: 1 variant allele, 1 heterozygote.

Breakthrough Genomics
Classification: Likely benign. Review status: criteria provided, single submitter. Criteria: ACMG Guidelines, 2015. Collection method: not provided. Allele origin: germline. Inheritance: Autosomal recessive inheritance. Affected: yes.

Dr. Peter K. Rogan Lab, Western University
No classification provided (evidence only). Condition: Ovarian serous cystadenocarcinoma. Review status: no classification provided. Collection method: in vitro. Allele origin: not applicable. Functional consequence: retained intron. Not counted in ClinVar's aggregate classification.